The following is an entry in ClinVar:

ClinVar aggregate classification (germline): Likely pathogenic (1 of 4 stars; one submission).

Conditions:
Dilated cardiomyopathy 1G (CMD1G). Identifiers: Orphanet 154, MedGen C1858763, MONDO:0011400, OMIM 604145.
Autosomal recessive limb-girdle muscular dystrophy type 2J (LGMDR10). Also called: Limb-girdle muscular dystrophy, type 2J; MUSCULAR DYSTROPHY, LIMB-GIRDLE, AUTOSOMAL RECESSIVE 10. Identifiers: Orphanet 140922, MedGen C1837342, MONDO:0012127, OMIM 608807.

Submission:

Labcorp Genetics (formerly Invitae), Labcorp
Classification: Likely pathogenic for Dilated cardiomyopathy 1G; Autosomal recessive limb-girdle muscular dystrophy type 2J. Last evaluated: 2019-11-15. Review status: criteria provided, single submitter. Criteria: Invitae Variant Classification Sherloc (09022015). Collection method: clinical testing. Allele origin: germline.
Comment: In summary, the currently available evidence indicates that the variant is pathogenic, but additional data are needed to prove that conclusively. Therefore, this variant has been classified as Likely Pathogenic. This variant is located in the A band of TTN (PMID: 25589632). Truncating variants in this region are significantly overrepresented in patients affected with dilated cardiomyopathy (PMID: 25589632). Truncating variants in this region have also been reported in individuals affected with autosomal recessive centronuclear myopathy (PMID: 23975875). This variant has not been reported in the literature in individuals with TTN-related conditions. This variant is not present in population databases (ExAC no frequency). This sequence change results in a premature translational stop signal in the TTN gene (p.Arg32333Valfs*15). While this is not anticipated to result in nonsense mediated decay, it is expected to create a truncated TTN protein.

Literature cited by the submitters: PubMed 25589632; PubMed 23975875.

NM_001267550.2(TTN):c.96997del (p.Arg32333fs)

Genes: TTN-AS1 (TTN antisense RNA 1; plus strand), TTN (titin; minus strand). Cytogenetic location: 2q31.2.
Variant type: Deletion.
Coding change: c.96997del on transcript NM_001267550.2 (MANE Select); coding-DNA position 96997, one base deleted (C; older notation c.96997delC).
Protein change: p.Arg32333fs; shifts the reading frame from arginine 32333.
Molecular consequence: frameshift variant.
Genome position (GRCh38, 1-based): chr2:178,542,857, G deleted on the plus strand (C on the coding strand, the reverse complement: TTN is on the minus strand); the first of 2 consecutive G bases (chr2:178,542,857-178,542,858); deleting either gives the same sequence. VCF-style (leftmost placement, unchanged base first): chr2-178542856-CG-C. GRCh37 (hg19) VCF-style: chr2-179407583-CG-C.
Other names: c.92074del, p.Arg30692fs (NM_001256850.1); c.69802del, p.Arg23268fs (NM_003319.4); c.89293del, p.Arg29765fs (NM_133378.4); c.70177del, p.Arg23393fs (NM_133432.3); c.70378del, p.Arg23460fs (NM_133437.4); short protein forms R29765fs, R30692fs, R32333fs, R23393fs, R23460fs, R23268fs.
Identifiers: ClinVar variation 964576 (VCV000964576.10), dbSNP rs1695259740, ClinGen allele CA1139657424.